The following is an entry in ClinVar:

NM_001042492.3(NF1):c.5035del (p.Ile1679fs)

Gene: NF1 (neurofibromin 1; plus strand). Cytogenetic location: 17q11.2.
Variant type: Deletion.
Coding change: c.5035del on transcript NM_001042492.3 (MANE Select); coding-DNA position 5035, one base deleted (A; older notation c.5035delA).
Protein change: p.Ile1679fs; shifts the reading frame from isoleucine 1679.
Molecular consequence: frameshift variant.
Genome position (GRCh38, 1-based): chr17:31,326,019, A deleted. VCF-style (leftmost placement, unchanged base first): chr17-31326018-TA-T. GRCh37 (hg19) VCF-style: chr17-29653036-TA-T.
Other names: c.4972delA, p.Ile1658Serfs (NM_000267.4); short protein forms I1658fs, I1679fs.
Identifiers: ClinVar variation 1073726 (VCV001073726.1), dbSNP rs2151538215, ClinGen allele CA2499224159.

ClinVar aggregate classification (germline): Pathogenic (1 of 4 stars; one submission).

Conditions:
Neurofibromatosis, type 1 (NF1). Also called: VON RECKLINGHAUSEN DISEASE; Peripheral type neurofibromatosis; NEUROFIBROMATOSIS, TYPE I, SOMATIC; Neurofibromatosis, type I. Identifiers: Orphanet 636, MedGen C0027831, MONDO:0018975, OMIM 162200. Disease mechanism: loss of function.

Submission:

Labcorp Genetics (formerly Invitae), Labcorp
Classification: Pathogenic for Neurofibromatosis, type 1. Last evaluated: 2020-07-14. Review status: criteria provided, single submitter. Criteria: Invitae Variant Classification Sherloc (09022015). Collection method: clinical testing. Allele origin: germline.
Comment: This sequence change creates a premature translational stop signal (p.Ile1658Serfs*19) in the NF1 gene. It is expected to result in an absent or disrupted protein product. This variant is not present in population databases (ExAC no frequency). This variant has not been reported in the literature in individuals with NF1-related conditions. Loss-of-function variants in NF1 are known to be pathogenic (PMID: 10712197, 23913538). For these reasons, this variant has been classified as Pathogenic.

Literature cited by the submitters: PubMed 10712197; PubMed 23913538.